The following is an entry in ClinVar:

NM_177438.3(DICER1):c.2125del (p.Asp709fs)

Gene: DICER1 (dicer 1, ribonuclease III; minus strand). Cytogenetic location: 14q32.13.
Variant type: Deletion.
Coding change: c.2125del on transcript NM_177438.3 (MANE Select); coding-DNA position 2125, one base deleted (G; older notation c.2125delG).
Protein change: p.Asp709fs; shifts the reading frame from aspartic acid 709.
Molecular consequence: frameshift variant.
Genome position (GRCh38, 1-based): chr14:95,111,448, C deleted on the plus strand (G on the coding strand, the reverse complement: DICER1 is on the minus strand); the first of 2 consecutive C bases (chr14:95,111,448-95,111,449); deleting either gives the same sequence. VCF-style (leftmost placement, unchanged base first): chr14-95111447-TC-T. GRCh37 (hg19) VCF-style: chr14-95577784-TC-T.
Other names: c.2125del, p.Asp709fs (NM_001195573.1, NM_001271282.3, NM_001291628.2 and 1 more transcripts); short protein forms D709fs.
Identifiers: ClinVar variation 1446797 (VCV001446797.7), dbSNP rs2140068631, ClinGen allele CA2573150489.

ClinVar aggregate classification (germline): Pathogenic (1 of 4 stars; one submission).

Conditions:
DICER1-related tumor predisposition. Also called: DICER1 syndrome; DICER1-related pleuropulmonary blastoma cancer predisposition syndrome. Identifiers: Orphanet 284343, MedGen C3839822, MONDO:0100216.

Submission:

Labcorp Genetics (formerly Invitae), Labcorp
Classification: Pathogenic for DICER1-related tumor predisposition. Last evaluated: 2021-12-15. Review status: criteria provided, single submitter. Criteria: Invitae Variant Classification Sherloc (09022015). Collection method: clinical testing. Allele origin: germline.
Comment: For these reasons, this variant has been classified as Pathogenic. This variant has not been reported in the literature in individuals affected with DICER1-related conditions. This variant is not present in population databases (gnomAD no frequency). This sequence change creates a premature translational stop signal (p.Asp709Metfs*4) in the DICER1 gene. It is expected to result in an absent or disrupted protein product. Loss-of-function variants in DICER1 are known to be pathogenic (PMID: 19556464, 21266384).

Literature cited by the submitters: PubMed 19556464; PubMed 21266384.